The following is an entry in ClinVar:

NM_003803.4(MYOM1):c.3112G>A (p.Val1038Ile)

Gene: MYOM1 (myomesin 1; minus strand). Cytogenetic location: 18p11.31.
Variant type: single nucleotide variant.
Coding change: c.3112G>A on transcript NM_003803.4 (MANE Select); coding-DNA position 3112, G replaced by A.
Protein change: p.Val1038Ile; replaces valine 1038 with isoleucine.
Molecular consequence: missense variant.
Genome position (GRCh38, 1-based): chr18:3,119,875, C>T on the plus strand (G>A on the coding strand, the complement: MYOM1 is on the minus strand). VCF-style: chr18-3119875-C-T. GRCh37 (hg19) VCF-style: chr18-3119873-C-T.
Other names: c.2824G>A, p.Val942Ile (NM_019856.2); short protein forms V1038I, V942I.
Identifiers: ClinVar variation 1727767 (VCV001727767.8), dbSNP rs182398400, ClinGen allele CA8874424.

ClinVar aggregate classification (germline): Uncertain significance. Review status: criteria provided, multiple submitters, no conflicts (2 of 4 stars). 2 submissions from 2 submitters: Uncertain significance (2). Last evaluated 2025-02-18.

Conditions:
Hypertrophic cardiomyopathy. Also called: HYPERTROPHIC MYOCARDIOPATHY. Identifiers: Orphanet 217569, MedGen C0007194, MeSH D002312, MONDO:0005045, HP:0001639.

Allele frequency attached by ClinVar (database versions not stated): ESP Exome Variant Server 0.00008; 1000 Genomes Project 0.00020; 1000 Genomes Project 30x 0.00047; gnomAD exomes 0.00001; ExAC 0.00003; gnomAD 0.00005; TOPMed 0.00006.
gnomAD v4.1: 17 of 1,604,936 alleles (0.0011%); highest among the groups gnomAD compares: African/African-American, 0.012%; no homozygotes.

Submissions (2):

Labcorp Genetics (formerly Invitae), Labcorp
Classification: Uncertain significance for Hypertrophic cardiomyopathy. Last evaluated: 2025-02-18. Review status: criteria provided, single submitter. Criteria: Invitae Variant Classification Sherloc (09022015). Collection method: clinical testing. Allele origin: germline.
Comment: This sequence change replaces valine, which is neutral and non-polar, with isoleucine, which is neutral and non-polar, at codon 1038 of the MYOM1 protein (p.Val1038Ile). This variant is present in population databases (rs182398400, gnomAD 0.03%). This variant has not been reported in the literature in individuals affected with MYOM1-related conditions. ClinVar contains an entry for this variant (Variation ID: 1727767). Invitae Evidence Modeling of protein sequence and biophysical properties (such as structural, functional, and spatial information, amino acid conservation, physicochemical variation, residue mobility, and thermodynamic stability) indicates that this missense variant is not expected to disrupt MYOM1 protein function with a negative predictive value of 80%. In summary, the available evidence is currently insufficient to determine the role of this variant in disease. Therefore, it has been classified as a Variant of Uncertain Significance.

Ambry Genetics
Classification: Uncertain significance. Last evaluated: 2025-02-06. Review status: criteria provided, single submitter. Criteria: Ambry Variant Classification Scheme 2023. Collection method: clinical testing. Allele origin: germline.
Comment: The p.V1038I variant (also known as c.3112G>A), located in coding exon 19 of the MYOM1 gene, results from a G to A substitution at nucleotide position 3112. The valine at codon 1038 is replaced by isoleucine, an amino acid with highly similar properties. This amino acid position is conserved. In addition, this alteration is predicted to be tolerated by in silico analysis. Since supporting evidence is limited at this time, the clinical significance of this alteration remains unclear.